The following is an entry in ClinVar:

ClinVar aggregate classification (germline): Likely benign (1 of 4 stars; one submission).

gnomAD v4.1: 62 of 1,614,052 alleles (0.0038%); highest among the groups gnomAD compares: Non-Finnish European, 0.0048%; no homozygotes.

Submission:

CeGaT Center for Human Genetics Tuebingen
Classification: Likely benign. Last evaluated: 2025-11-01. Review status: criteria provided, single submitter. Criteria: CeGaT Center For Human Genetics Tuebingen Variant Classification Criteria Version 2. Collection method: clinical testing. Allele origin: germline. Affected: yes. Observed: 1 variant allele.
Comment: BCL6: BP4, BP7

NM_001706.5(BCL6):c.681G>A (p.Glu227=)

Genes: BCL6 (BCL6 transcription repressor; minus strand), LOC100131635 (hCG1645011-like; plus strand). Cytogenetic location: 3q27.3.
Variant type: single nucleotide variant.
Coding change: c.681G>A on transcript NM_001706.5 (MANE Select); coding-DNA position 681, G replaced by A.
Protein change: p.Glu227=; no amino-acid change (glutamic acid 227 retained).
Molecular consequence: synonymous variant.
Genome position (GRCh38, 1-based): chr3:187,729,724, C>T on the plus strand (G>A on the coding strand, the complement: BCL6 is on the minus strand). VCF-style: chr3-187729724-C-T. GRCh37 (hg19) VCF-style: chr3-187447512-C-T.
Other names: c.681G>A, p.Glu227= (NM_001130845.2, NM_001134738.2).
Identifiers: ClinVar variation 4533771 (VCV004533771.6).